The following is an entry in ClinVar:

NM_004006.3(DMD):c.3293T>A (p.Ile1098Asn)

Gene: DMD (dystrophin; minus strand). Cytogenetic location: Xp21.1.
Variant type: single nucleotide variant.
Coding change: c.3293T>A on transcript NM_004006.3 (MANE Select); coding-DNA position 3293, T replaced by A.
Protein change: p.Ile1098Asn; replaces isoleucine 1098 with asparagine.
Molecular consequence: missense variant.
Genome position (GRCh38, 1-based): chrX:32,463,578, A>T on the plus strand (T>A on the coding strand, the complement: DMD is on the minus strand). VCF-style: chrX-32463578-A-T. GRCh37 (hg19) VCF-style: chrX-32481695-A-T.
Other names: c.3269T>A, p.Ile1090Asn (NM_000109.4); c.3281T>A, p.Ile1094Asn (NM_004009.3); c.2924T>A, p.Ile975Asn (NM_004010.3); short protein forms I975N, I1090N, I1094N, I1098N.
Identifiers: ClinVar variation 4764250 (VCV004764250.1).

ClinVar aggregate classification (germline): Uncertain significance (1 of 4 stars; one submission).

Conditions:
Duchenne muscular dystrophy (DMD). Also called: MUSCULAR DYSTROPHY, PSEUDOHYPERTROPHIC PROGRESSIVE, DUCHENNE TYPE; Duchenne Muscular Dystrophy (DMD). Identifiers: Orphanet 98896, MedGen C0013264, MONDO:0010679, OMIM 310200.

gnomAD v4.1: 1 of 1,161,660 alleles (0.000086%); highest among the groups gnomAD compares: Non-Finnish European, 0.00012%; no homozygotes.

Submission:

Labcorp Genetics (formerly Invitae), Labcorp
Classification: Uncertain significance for Duchenne muscular dystrophy. Last evaluated: 2026-01-24. Review status: criteria provided, single submitter. Criteria: Invitae Variant Classification Sherloc (09022015). Collection method: clinical testing. Allele origin: germline.
Comment: This sequence change replaces isoleucine, which is neutral and non-polar, with asparagine, which is neutral and polar, at codon 1098 of the DMD protein (p.Ile1098Asn). This variant is not present in population databases (gnomAD no frequency). This variant has not been reported in the literature in individuals affected with DMD-related conditions. Invitae Evidence Modeling of protein sequence and biophysical properties (such as structural, functional, and spatial information, amino acid conservation, physicochemical variation, residue mobility, and thermodynamic stability) indicates that this missense variant is not expected to disrupt DMD protein function with a negative predictive value of 95%. In summary, the available evidence is currently insufficient to determine the role of this variant in disease. Therefore, it has been classified as a Variant of Uncertain Significance.